The following is an entry in ClinVar:

ClinVar aggregate classification (germline): Conflicting classifications of pathogenicity. Review status: criteria provided, conflicting classifications (1 of 4 stars). 11 submissions from 11 submitters: Uncertain significance (2); Benign (2); Likely benign (5). 2 of the submissions do not count toward it. Last evaluated 2026-04-01.

Conditions:
NEB-related disorder. Also called: NEB-Related Disorders; NEB-related condition.
Nemaline myopathy 2 (NEM2). Also called: Nemaline myopathy 2, autosomal recessive. Identifiers: MedGen C1850569, MONDO:0009725, OMIM 256030.

Allele frequency attached by ClinVar (database versions not stated): 1000 Genomes Project 0.00020; 1000 Genomes Project 30x 0.00031; gnomAD 0.00108 and 0.00114; TOPMed 0.00110; gnomAD exomes 0.00145 and 0.00170; ESP Exome Variant Server 0.00149; ExAC 0.00175.
gnomAD v4.1: 2,322 of 1,612,576 alleles (0.14%); highest among the groups gnomAD compares: Middle Eastern, 0.45%; 5 homozygotes.

Submissions (11):

CeGaT Center for Human Genetics Tuebingen
Classification: Likely benign. Last evaluated: 2026-04-01. Review status: criteria provided, single submitter. Criteria: CeGaT Center For Human Genetics Tuebingen Variant Classification Criteria Version 2. Collection method: clinical testing. Allele origin: germline. Affected: yes. Observed: 5 variant alleles.
Comment: NEB: BS2

Labcorp Genetics (formerly Invitae), Labcorp
Classification: Likely benign for Nemaline myopathy 2. Last evaluated: 2026-02-01. Review status: criteria provided, single submitter. Criteria: Invitae Variant Classification Sherloc (09022015). Collection method: clinical testing. Allele origin: germline.

Blueprint Genetics
Classification: Likely benign. Last evaluated: 2024-10-30. Review status: criteria provided, single submitter. Criteria: ACMG Guidelines, 2015. Collection method: clinical testing. Allele origin: germline.

Women's Health and Genetics/Laboratory Corporation of America, LabCorp
Classification: Likely benign. Last evaluated: 2022-02-01. Review status: criteria provided, single submitter. Criteria: LabCorp Variant Classification Summary - May 2015. Collection method: clinical testing. Allele origin: germline.
Comment: Variant summary: NEB c.23372T>C (p.Met7791Thr) results in a non-conservative amino acid change in the encoded protein sequence. Three of four in-silico tools predict a damaging effect of the variant on protein function. The variant allele was found at a frequency of 0.0017 in 248290 control chromosomes in the gnomAD database, including 1 homozygotes. This frequency is not higher than expected for a pathogenic variant in NEB causing Nemaline Myopathy 2 (0.0017 vs 0.0035), allowing no conclusion about variant significance. c.23372T>C has been reported in the literature in a compound heterozygous individual affected with the Typical Form of Nemaline Myopathy (Lehtokari_2006). These data do not allow any conclusion about variant significance. To our knowledge, no experimental evidence demonstrating an impact on protein function has been reported. However, majority of the reported pathogenic variants are truncating/loss-of-function variants. Seven clinical diagnostic laboratories have submitted clinical-significance assessments for this variant to ClinVar after 2014 and classified the variant Benign (n=2), Likely Benign (n=4) and VUS (n=1). Based on the evidence outlined above, the variant was classified as likely benign.

Genome-Nilou Lab
Classification: Likely benign for Nemaline myopathy 2. Last evaluated: 2021-05-18. Review status: criteria provided, single submitter. Criteria: ACMG Guidelines, 2015. Collection method: clinical testing. Allele origin: germline. Affected: no.

Athena Diagnostics
Classification: Benign. Last evaluated: 2020-12-03. Review status: criteria provided, single submitter. Criteria: Athena Diagnostics criteria. Collection method: clinical testing. Allele origin: unknown.

GeneDx
Classification: Benign. Last evaluated: 2019-01-16. Review status: criteria provided, single submitter. Criteria: GeneDx Variant Classification Process June 2021. Collection method: clinical testing. Allele origin: germline. Affected: yes.
Comment: Missense variant in a gene in which most reported pathogenic variants are truncating/loss-of-function; This variant is associated with the following publications: (PMID: 27884173, 16917880, 12207938)

Illumina Laboratory Services, Illumina
Classification: Uncertain significance for Nemaline myopathy 2. Last evaluated: 2017-04-27. Review status: criteria provided, single submitter. Criteria: ICSL Variant Classification Criteria 13 December 2019. Collection method: clinical testing. Allele origin: germline.
Comment: This variant was observed as part of a predisposition screen in an ostensibly healthy population. A literature search was performed for the gene, cDNA change, and amino acid change (where applicable). Publications were found based on this search. However, the evidence from the literature, in combination with allele frequency data from public databases where available, was not sufficient to rule this variant in or out of causing disease. Therefore, this variant is classified as a variant of unknown significance.

Eurofins Ntd Llc (ga)
Classification: Uncertain significance. Last evaluated: 2014-01-13. Review status: criteria provided, single submitter. Criteria: EGL Classification Definitions 2015. Collection method: clinical testing. Allele origin: germline. Observed: 5 variant alleles, 5 heterozygotes.

PreventionGenetics, part of Exact Sciences
Classification: Likely benign for NEB-related condition. Last evaluated: 2023-01-20. Review status: no assertion criteria provided. Collection method: clinical testing. Allele origin: germline. Not counted in ClinVar's aggregate classification.
Comment: This variant is classified as likely benign based on ACMG/AMP sequence variant interpretation guidelines (Richards et al. 2015 PMID: 25741868, with internal and published modifications).

Natera, Inc.
Classification: Likely benign for Nemaline myopathy type 2. Last evaluated: 2020-01-11. Review status: no assertion criteria provided. Collection method: clinical testing. Allele origin: germline. Not counted in ClinVar's aggregate classification.

Literature cited by the submitters: PubMed 16917880 (cited by 4 submitters); PubMed 27884173 (cited by Athena Diagnostics); PubMed 30517146 (cited by Athena Diagnostics); PubMed 30950222 (cited by Athena Diagnostics); PubMed 31256874 (cited by Athena Diagnostics).

NM_001164508.2(NEB):c.23267T>C (p.Met7756Thr)

Genes: NEB (nebulin; minus strand), RIF1 (replication timing regulatory factor 1; plus strand). Cytogenetic location: 2q23.3.
Variant type: single nucleotide variant.
Coding change: c.23267T>C on transcript NM_001164508.2 (MANE Select); coding-DNA position 23267, T replaced by C.
Protein change: p.Met7756Thr; replaces methionine 7756 with threonine.
Molecular consequence: missense variant.
Genome position (GRCh38, 1-based): chr2:151,512,812, A>G on the plus strand (T>C on the coding strand, the complement: NEB is on the minus strand). VCF-style: chr2-151512812-A-G. GRCh37 (hg19) VCF-style: chr2-152369326-A-G.
Other names: c.23267T>C, p.Met7756Thr (NM_001164507.2); c.23372T>C, p.Met7791Thr (NM_001271208.2); c.18164T>C, p.Met6055Thr (NM_004543.5); short protein forms M6055T, M7791T, M7756T.
Identifiers: ClinVar variation 167328 (VCV000167328.67), dbSNP rs201767727, ClinGen allele CA234318.